The following is an entry in ClinVar:

ClinVar aggregate classification (germline): Uncertain significance (1 of 4 stars; one submission).

gnomAD v4.1: 1 of 1,587,242 alleles (0.000063%); highest among the groups gnomAD compares: Non-Finnish European, 0.000086%; no homozygotes.

Submission:

Ambry Genetics
Classification: Uncertain significance. Last evaluated: 2025-06-10. Review status: criteria provided, single submitter. Criteria: Ambry Variant Classification Scheme 2023. Collection method: clinical testing. Allele origin: germline.
Comment: The p.S632F variant (also known as c.1895C>T), located in coding exon 13 of the RINT1 gene, results from a C to T substitution at nucleotide position 1895. The serine at codon 632 is replaced by phenylalanine, an amino acid with highly dissimilar properties. This amino acid position is conserved. In addition, this alteration is predicted to be deleterious by in silico analysis. Since supporting evidence is limited at this time, the clinical significance of this alteration remains unclear.

NM_021930.6(RINT1):c.1895C>T (p.Ser632Phe)

Genes: EFCAB10 (EF-hand calcium binding domain 10; minus strand), RINT1 (RAD50 interactor 1; plus strand). Cytogenetic location: 7q22.3.
Variant type: single nucleotide variant.
Coding change: c.1895C>T on transcript NM_021930.6 (MANE Select); coding-DNA position 1895, C replaced by T.
Protein change: p.Ser632Phe; replaces serine 632 with phenylalanine.
Molecular consequence: missense variant. On other transcripts: 3 prime UTR variant (3), non-coding transcript variant (1).
Genome position (GRCh38, 1-based): chr7:105,565,285, C>T. VCF-style: chr7-105565285-C-T. GRCh37 (hg19) VCF-style: chr7-105205732-C-T.
Other names: c.*162G>A (NM_001355526.2); c.*264G>A (NM_001355530.2); c.*117G>A (NM_001355531.2); c.1661C>T, p.Ser554Phe (NM_001346599.2); c.872C>T, p.Ser291Phe (NM_001346600.2, NM_001346603.2); c.971C>T, p.Ser324Phe (NM_001346601.2); short protein forms S291F, S632F, S324F, S554F.
Identifiers: ClinVar variation 2447148 (VCV002447148.3), dbSNP rs1470112438, ClinGen allele CA368814649.